The following is an entry in ClinVar:

ClinVar aggregate classification (germline): Uncertain significance. Review status: criteria provided, single submitter (1 of 4 stars). 2 submissions from 2 submitters: Uncertain significance (1). 1 of the submissions does not count toward it. Last evaluated 2021-05-19.

Conditions:
WT1-related disorder. Also called: WT1-related disorders. Identifiers: MedGen CN377814.

Submissions (2):

Blueprint Genetics
Classification: Uncertain significance. Last evaluated: 2021-05-19. Review status: criteria provided, single submitter. Criteria: ACMG Guidelines, 2015. Collection method: clinical testing. Allele origin: germline.

PreventionGenetics, part of Exact Sciences
Classification: Likely benign for WT1-related condition. Last evaluated: 2023-01-26. Review status: no assertion criteria provided. Collection method: clinical testing. Allele origin: germline. Not counted in ClinVar's aggregate classification.
Comment: This variant is classified as likely benign based on ACMG/AMP sequence variant interpretation guidelines (Richards et al. 2015 PMID: 25741868, with internal and published modifications).

NM_024426.6(WT1):c.1114-3C>A

Gene: WT1 (WT1 transcription factor; minus strand). Cytogenetic location: 11p13.
Variant type: single nucleotide variant.
Coding change: c.1114-3C>A on transcript NM_024426.6 (MANE Select); 3 bases into the intron before coding-DNA position 1114, C replaced by A.
Molecular consequence: intron variant.
Genome position (GRCh38, 1-based): chr11:32,396,410, G>T on the plus strand (C>A on the coding strand, the complement: WT1 is on the minus strand). VCF-style: chr11-32396410-G-T. GRCh37 (hg19) VCF-style: chr11-32417956-G-T.
Other names: c.940-3C>A (NM_001407050.1); c.991-3C>A (NM_001407047.1); c.1063-3C>A (NM_001407048.1, NM_001407049.1, NM_000378.6 and 1 more transcripts); c.1108-3C>A (NM_001407044.1); c.1114-3C>A (NM_001407046.1, NM_024424.5); c.352-3C>A (NM_001407051.1); c.412-3C>A (NM_001198552.2); c.463-3C>A (NM_001198551.2); and 1 more.
Identifiers: ClinVar variation 3050053 (VCV003050053.3), dbSNP rs1851976863, ClinGen allele CA645577695.